The following is an entry in ClinVar:

NM_001287.6(CLCN7):c.1258G>A (p.Val420Met)

Gene: CLCN7 (Cl-/H+ antiporter 7; minus strand). Cytogenetic location: 16p13.3.
Variant type: single nucleotide variant.
Coding change: c.1258G>A on transcript NM_001287.6 (MANE Select); coding-DNA position 1258, G replaced by A.
Protein change: p.Val420Met; replaces valine 420 with methionine.
Molecular consequence: missense variant.
Genome position (GRCh38, 1-based): chr16:1,452,850, C>T on the plus strand (G>A on the coding strand, the complement: CLCN7 is on the minus strand). VCF-style: chr16-1452850-C-T. GRCh37 (hg19) VCF-style: chr16-1502851-C-T.
Other names: c.1186G>A, p.Val396Met (NM_001114331.3); c.1258G>A (NM_001287.4); short protein forms V396M, V420M.
Identifiers: ClinVar variation 3669622 (VCV003669622.3).

ClinVar aggregate classification (germline): Uncertain significance. Review status: criteria provided, multiple submitters, no conflicts (2 of 4 stars). 2 submissions from 2 submitters: Uncertain significance (2). Last evaluated 2026-06-17.

Conditions:
Inborn genetic diseases. Identifiers: MedGen C0950123, MeSH D030342.

Submissions (2):

Ambry Genetics
Classification: Uncertain significance for Inborn genetic diseases. Last evaluated: 2026-06-17. Review status: criteria provided, single submitter. Criteria: Ambry Variant Classification Scheme 2023. Collection method: clinical testing. Allele origin: germline.

Labcorp Genetics (formerly Invitae), Labcorp
Classification: Uncertain significance. Last evaluated: 2024-04-03. Review status: criteria provided, single submitter. Criteria: Invitae Variant Classification Sherloc (09022015). Collection method: clinical testing. Allele origin: germline.
Comment: This sequence change replaces valine, which is neutral and non-polar, with methionine, which is neutral and non-polar, at codon 420 of the CLCN7 protein (p.Val420Met). This variant is not present in population databases (gnomAD no frequency). This variant has not been reported in the literature in individuals affected with CLCN7-related conditions. An algorithm developed to predict the effect of missense changes on protein structure and function (PolyPhen-2) suggests that this variant is likely to be disruptive. In summary, the available evidence is currently insufficient to determine the role of this variant in disease. Therefore, it has been classified as a Variant of Uncertain Significance.